The following is an entry in ClinVar:

NM_001033560.1(DNAAF4):c.523dup (p.Ile175Asnfs)

Genes: DNAAF4-CCPG1 (DNAAF4-CCPG1 readthrough (NMD candidate); minus strand), DNAAF4 (dynein axonemal assembly factor 4; minus strand). Cytogenetic location: 15q21.3.
Variant type: Duplication.
Coding change: c.523dup on transcript NM_001033560.1; coding-DNA position 523, one base duplicated (A; older notation c.523dupA).
Protein change: p.Ile175Asnfs; shifts the reading frame from isoleucine 175.
Molecular consequence: frameshift variant (on NM_130810.4). On other transcripts: non-coding transcript variant (1).
Genome position (GRCh38, 1-based): chr15:55,467,044, T duplicated on the plus strand (A on the coding strand, the reverse complement: DNAAF4 is on the minus strand); the first of 9 consecutive T bases (chr15:55,467,044-55,467,052); duplicating any one gives the same sequence. VCF-style (leftmost placement, unchanged base first): chr15-55467043-A-AT. GRCh37 (hg19) VCF-style: chr15-55759241-A-AT.
Other names: c.523dup, p.Ile175fs (NM_001033559.3, NM_001033560.2, NM_130810.4); c.523dupA (NM_130810.3); short protein forms I175fs.
Identifiers: ClinVar variation 496919 (VCV000496919.16), dbSNP rs751610886, ClinGen allele CA7575019.
Genomic context (GRCh38, chr15:55,467,043, plus strand): 5'-ATTTTTTTTCTTTCTTCTTTAATTTGCTTTTCTTTTTGACATAATTTCTCTTCTCTCTGA[A>AT]TTTTTTTTTGCTCCTCAGCTTTTCTTTGATATTCTTTCCAGGCTTCCAATGCTTTAGTGG-3'

ClinVar aggregate classification (germline): Pathogenic/Likely pathogenic. Review status: criteria provided, multiple submitters, no conflicts (2 of 4 stars). 6 submissions from 6 submitters: Pathogenic (2); Likely pathogenic (4). Last evaluated 2025-10-09.

Conditions:
Primary ciliary dyskinesia 25 (CILD25). Also called: CILIARY DYSKINESIA, PRIMARY, 25, WITH OR WITHOUT SITUS INVERSUS. Identifiers: Orphanet 244, MedGen C3809641, MONDO:0014203, OMIM 615482.
Dyslexia, susceptibility to, 1. Also called: WORD-BLINDNESS, CONGENITAL; READING DISABILITY, SPECIFIC, 1. Identifiers: MedGen C1851967, MONDO:0007487, OMIM 127700.
DNAAF4-related disorder. Also called: DNAAF4-related condition.
DYX1C1-related disorders.

Submissions (6):

Labcorp Genetics (formerly Invitae), Labcorp
Classification: Pathogenic. Last evaluated: 2025-10-09. Review status: criteria provided, single submitter. Criteria: Invitae Variant Classification Sherloc (09022015). Collection method: clinical testing. Allele origin: germline.
Comment: This sequence change creates a premature translational stop signal (p.Ile175Asnfs*15) in the DNAAF4 gene. It is expected to result in an absent or disrupted protein product. Loss-of-function variants in DNAAF4 are known to be pathogenic (PMID: 23872636). The frequency data for this variant in the population databases is considered unreliable, as metrics indicate poor data quality at this position in the gnomAD database. This variant has not been reported in the literature in individuals affected with DNAAF4-related conditions. ClinVar contains an entry for this variant (Variation ID: 496919). For these reasons, this variant has been classified as Pathogenic.

PreventionGenetics, part of Exact Sciences
Classification: Likely pathogenic for DNAAF4-related condition. Last evaluated: 2023-08-21. Review status: criteria provided, single submitter. Criteria: ACMG Guidelines, 2015. Collection method: clinical testing. Allele origin: germline.
Comment: The DNAAF4 c.523dupA variant is predicted to result in a frameshift and premature protein termination (p.Ile175Asnfs*15). To our knowledge, this variant has not been reported in the literature. This variant is reported in 0.025% of alleles in individuals of Ashkenazi Jewish descent in gnomAD. Frameshift variants in DNAAF4 are expected to be pathogenic. This variant is interpreted as likely pathogenic.

Laboratorio de Genetica e Diagnostico Molecular, Hospital Israelita Albert Einstein
Classification: Likely pathogenic for Primary ciliary dyskinesia 25. Last evaluated: 2022-10-14. Review status: criteria provided, single submitter. Criteria: ACMG Guidelines, 2015. Collection method: clinical testing. Allele origin: germline. Affected: yes. Observed: 1 variant allele.
Comment: ACMG classification criteria: PVS1 very strong, PM2 supporting

Blueprint Genetics
Classification: Likely pathogenic for DYX1C1-related disorders. Last evaluated: 2021-09-07. Review status: criteria provided, single submitter. Criteria: ACMG Guidelines, 2015. Collection method: clinical testing. Allele origin: germline. Affected: yes. Observed: 1 variant allele.

Eurofins Ntd Llc (ga)
Classification: Pathogenic. Last evaluated: 2016-11-28. Review status: criteria provided, single submitter. Criteria: EGL Classification Definitions 2015. Collection method: clinical testing. Allele origin: germline. Observed: 2 variant alleles, 2 heterozygotes.

Juno Genomics, Hangzhou Juno Genomics, Inc
Classification: Likely pathogenic for Dyslexia, susceptibility to, 1; Primary ciliary dyskinesia 25. Review status: criteria provided, single submitter. Criteria: ACMG Guidelines, 2015. Collection method: clinical testing. Allele origin: germline.
Comment: Null variant in a gene where loss of function (LOF) is a known mechanism of disease.;Absent from controls (or at extremely low frequency if recessive) in Genome Aggregation Database.

Literature cited by the submitters: PubMed 23872636 (cited by Labcorp Genetics (formerly Invitae), Labcorp).